The following is an entry in ClinVar:

NM_001042492.3(NF1):c.4110+937C>G

Gene: NF1 (neurofibromin 1; plus strand). Cytogenetic location: 17q11.2.
Variant type: single nucleotide variant.
Coding change: c.4110+937C>G on transcript NM_001042492.3 (MANE Select); 937 bases into the intron after coding-DNA position 4110, C replaced by G.
Molecular consequence: intron variant.
Genome position (GRCh38, 1-based): chr17:31,250,056, C>G. VCF-style: chr17-31250056-C-G. GRCh37 (hg19) VCF-style: chr17-29577074-C-G.
Other names: c.4110+937C>G (NM_000267.4, NM_000267.3).
Identifiers: ClinVar variation 3901497 (VCV003901497.5).

ClinVar aggregate classification (germline): Conflicting classifications of pathogenicity. Review status: criteria provided, conflicting classifications (1 of 4 stars). 3 submissions from 3 submitters: Likely pathogenic (2); Uncertain significance (1). Last evaluated 2026-07-28.

Conditions:
Cardiovascular phenotype. Identifiers: MedGen CN230736.
Hereditary cancer-predisposing syndrome. Also called: Neoplastic Syndromes, Hereditary; Tumor predisposition; Hereditary Cancer Syndrome; Hereditary neoplastic syndrome. Identifiers: Orphanet 140162, MedGen C0027672, MeSH D009386, MONDO:0015356.

Submissions (3):

GeneDx
Classification: Likely pathogenic. Last evaluated: 2026-07-28. Review status: criteria provided, single submitter. Criteria: GeneDx Variant Classification Process June 2021. Collection method: clinical testing. Allele origin: germline.
Comment: RNA studies demonstrate a damaging effect: partial production of aberrant transcripts predicted to lead to nonsense-mediated decay (PMID: 37186028); Not observed at significant frequency in large population cohorts (gnomAD); This variant is associated with the following publications: (PMID: Xie2014[thesis], 37186028)

Ambry Genetics
Classification: Likely pathogenic for Cardiovascular phenotype; Hereditary cancer-predisposing syndrome. Last evaluated: 2026-05-15. Review status: criteria provided, single submitter. Criteria: Ambry Variant Classification Scheme 2023. Collection method: clinical testing. Allele origin: germline.
Comment: The c.4110+937C>G intronic variant results from a C to G substitution 937 nucleotides after coding exon 30 in the NF1 gene. This variant was reported in individual(s) with features consistent with Neurofibromatosis type 1 (Koczkowska M et al. Hum Genet, 2023 Jul;142:849-861; external communications; Ambry internal data). This nucleotide position is not well conserved in available vertebrate species. In silico splice site analysis predicts that this alteration will result in the creation or strengthening of a novel splice donor site. RNA studies have demonstrated that this variant results in abnormal splicing in the set of samples tested (Ambry internal data). Based on the majority of available evidence to date, this variant is likely to be pathogenic.

Blueprint Genetics
Classification: Uncertain significance. Last evaluated: 2024-02-22. Review status: criteria provided, single submitter. Criteria: ACMG Guidelines, 2015. Collection method: clinical testing. Allele origin: germline.

Literature cited by the submitters: PubMed 37186028 (cited by Ambry Genetics).